The following is an entry in ClinVar:

NM_001127178.3(PIGG):c.1817C>T (p.Pro606Leu)

Gene: PIGG (phosphatidylinositol glycan anchor biosynthesis class G (EMM blood group); plus strand). Cytogenetic location: 4p16.3.
Variant type: single nucleotide variant.
Coding change: c.1817C>T on transcript NM_001127178.3 (MANE Select); coding-DNA position 1817, C replaced by T.
Protein change: p.Pro606Leu; replaces proline 606 with leucine.
Molecular consequence: missense variant. On other transcripts: non-coding transcript variant (6).
Genome position (GRCh38, 1-based): chr4:523,661, C>T. VCF-style: chr4-523661-C-T. GRCh37 (hg19) VCF-style: chr4-517450-C-T.
Other names: c.1550C>T, p.Pro517Leu (NM_001289051.2, NM_001345986.2); c.1418C>T, p.Pro473Leu (NM_001289052.2); c.1526C>T, p.Pro509Leu (NM_001345987.2); c.788C>T, p.Pro263Leu (NM_001345988.2); c.284C>T, p.Pro95Leu (NM_001345990.2, NM_001345991.2); c.719C>T, p.Pro240Leu (NM_001345994.2); c.1793C>T, p.Pro598Leu (NM_017733.5); short protein forms P263L, P517L, P95L, P473L, P509L, P598L, P606L, P240L.
Identifiers: ClinVar variation 1400374 (VCV001400374.5), dbSNP rs1398469967, ClinGen allele CA355907364.

ClinVar aggregate classification (germline): Uncertain significance (1 of 4 stars; one submission).

Conditions:
Intellectual disability, autosomal recessive 53 (NEDHSCA). Also called: GLYCOSYLPHOSPHATIDYLINOSITOL BIOSYNTHESIS DEFECT 13; Mental retardation, autosomal recessive 53; NEURODEVELOPMENTAL DISORDER WITH OR WITHOUT HYPOTONIA, SEIZURES, AND CEREBELLAR ATROPHY. Identifiers: Orphanet 488635, MedGen C4310794, MONDO:0014832, OMIM 616917.

Allele frequency attached by ClinVar (database versions not stated): gnomAD exomes 0.00001; gnomAD 0.00002 and 0.00003; TOPMed 0.00003.
gnomAD v4.1: 24 of 1,614,050 alleles (0.0015%); highest among the groups gnomAD compares: African/African-American, 0.016%; no homozygotes.

Submission:

Labcorp Genetics (formerly Invitae), Labcorp
Classification: Uncertain significance for Intellectual disability, autosomal recessive 53. Last evaluated: 2022-02-28. Review status: criteria provided, single submitter. Criteria: Invitae Variant Classification Sherloc (09022015). Collection method: clinical testing. Allele origin: germline.
Comment: This sequence change replaces proline, which is neutral and non-polar, with leucine, which is neutral and non-polar, at codon 606 of the PIGG protein (p.Pro606Leu). This variant is present in population databases (no rsID available, gnomAD 0.02%). This variant has not been reported in the literature in individuals affected with PIGG-related conditions. Algorithms developed to predict the effect of missense changes on protein structure and function (SIFT, PolyPhen-2, Align-GVGD) all suggest that this variant is likely to be tolerated. In summary, the available evidence is currently insufficient to determine the role of this variant in disease. Therefore, it has been classified as a Variant of Uncertain Significance.